The following is an entry in ClinVar:

NM_033453.4(ITPA):c.277G>C (p.Glu93Gln)

Gene: ITPA (inosine triphosphatase; plus strand). Cytogenetic location: 20p13.
Variant type: single nucleotide variant.
Coding change: c.277G>C on transcript NM_033453.4 (MANE Select); coding-DNA position 277, G replaced by C.
Protein change: p.Glu93Gln; replaces glutamic acid 93 with glutamine.
Molecular consequence: missense variant. On other transcripts: 5 prime UTR variant (4), non-coding transcript variant (2).
Genome position (GRCh38, 1-based): chr20:3,215,294, G>C. VCF-style: chr20-3215294-G-C. GRCh37 (hg19) VCF-style: chr20-3195940-G-C.
Other names: c.154G>C, p.Glu52Gln (NM_001267623.2); c.-61G>C (NM_001324236.2, NM_001324237.2, NM_001324238.2 and 1 more transcripts); c.277G>C, p.Glu93Gln (NM_001324240.2); c.226G>C, p.Glu76Gln (NM_181493.4); short protein forms E52Q, E93Q, E76Q.
Identifiers: ClinVar variation 1365564 (VCV001365564.8), dbSNP rs746043760, ClinGen allele CA9741250.

ClinVar aggregate classification (germline): Uncertain significance (1 of 4 stars; one submission).

Conditions:
Inosine triphosphatase deficiency. Also called: INOSINE TRIPHOSPHATE PYROPHOSPHOHYDROLASE DEFICIENCY. Identifiers: MedGen C0342800, MONDO:0013461, OMIM 613850.

Allele frequency attached by ClinVar (database versions not stated): gnomAD exomes below 0.00001 and 0.00001; ExAC 0.00002.
gnomAD v4.1: 2 of 1,614,022 alleles (0.00012%); highest among the groups gnomAD compares: South Asian, 0.0022%; no homozygotes.

Submission:

Labcorp Genetics (formerly Invitae), Labcorp
Classification: Uncertain significance for Inosine triphosphatase deficiency. Last evaluated: 2021-01-19. Review status: criteria provided, single submitter. Criteria: Invitae Variant Classification Sherloc (09022015). Collection method: clinical testing. Allele origin: germline.
Comment: This sequence change replaces glutamic acid with glutamine at codon 93 of the ITPA protein (p.Glu93Gln). The glutamic acid residue is moderately conserved and there is a small physicochemical difference between glutamic acid and glutamine. This variant is present in population databases (rs746043760, ExAC 0.01%). This variant has not been reported in the literature in individuals with ITPA-related conditions. Algorithms developed to predict the effect of missense changes on protein structure and function output the following: SIFT: "Tolerated"; PolyPhen-2: "Benign"; Align-GVGD: "Class C0". The glutamine amino acid residue is found in multiple mammalian species, suggesting that this missense change does not adversely affect protein function. These predictions have not been confirmed by published functional studies and their clinical significance is uncertain. In summary, the available evidence is currently insufficient to determine the role of this variant in disease. Therefore, it has been classified as a Variant of Uncertain Significance.